The following is an entry in ClinVar:

ClinVar aggregate classification (germline): Uncertain significance (1 of 4 stars; one submission).

Conditions:
Emery-Dreifuss muscular dystrophy (EDMD). Also called: Scapuloperoneal syndrome, X-linked (formerly); Humeroperoneal neuromuscular disease, (formerly). Identifiers: Orphanet 261, MedGen C0410189, MONDO:0016830.

Submission:

Labcorp Genetics (formerly Invitae), Labcorp
Classification: Uncertain significance for Emery-Dreifuss muscular dystrophy. Last evaluated: 2025-11-27. Review status: criteria provided, single submitter. Criteria: Invitae Variant Classification Sherloc (09022015). Collection method: clinical testing. Allele origin: germline.
Comment: This sequence change replaces threonine, which is neutral and polar, with methionine, which is neutral and non-polar, at codon 474 of the SUN1 protein (p.Thr474Met). The frequency data for this variant in the population databases is considered unreliable, as metrics indicate poor data quality at this position in the gnomAD database. This variant has not been reported in the literature in individuals affected with SUN1-related conditions. An algorithm developed to predict the effect of missense changes on protein structure and function (PolyPhen-2) suggests that this variant is likely to be tolerated. In summary, the available evidence is currently insufficient to determine the role of this variant in disease. Therefore, it has been classified as a Variant of Uncertain Significance.

NM_001130965.3(SUN1):c.1421_1422inv (p.Thr474Met)

Gene: SUN1 (Sad1 and UNC84 domain containing 1; plus strand). Cytogenetic location: 7p22.3.
Variant type: Inversion.
Coding change: c.1421_1422inv on transcript NM_001130965.3 (MANE Select).
Protein change: p.Thr474Met; replaces threonine 474 with methionine.
Molecular consequence: missense variant. On other transcripts: non-coding transcript variant (3).
Genome position: GRCh38 VCF-style: chr7-857854-CA-TG. GRCh37 (hg19) VCF-style: chr7-897491-CA-TG.
Other names: c.1379_1380inv, p.Thr460Met (NM_001367679.1); c.1355_1356inv, p.Thr452Met (NM_001367680.1); c.1469_1470inv, p.Thr490Met (NM_001367681.1, NM_001367645.1); c.1703_1704inv, p.Thr568Met (NM_001367682.1, NM_001367641.1); c.1505_1506inv, p.Thr502Met (NM_001367683.1); c.1580_1581inv, p.Thr527Met (NM_001367684.1); c.1532_1533inv, p.Thr511Met (NM_001367685.1, NM_001367664.1); c.1253_1254inv, p.Thr418Met (NM_001367686.1); and 43 more; short protein forms T236M, T428M, T452M, T461M, T478M, T489M, T518M, T527M.
Identifiers: ClinVar variation 4737697 (VCV004737697.1).